The following is an entry in ClinVar:

NM_016034.5(MRPS2):c.814C>T (p.Arg272Cys)

Genes: MRPS2 (mitochondrial ribosomal protein S2; plus strand), LOC101928525 (uncharacterized LOC101928525; minus strand). Cytogenetic location: 9q34.3.
Variant type: single nucleotide variant.
Coding change: c.814C>T on transcript NM_016034.5 (MANE Select); coding-DNA position 814, C replaced by T.
Protein change: p.Arg272Cys; replaces arginine 272 with cysteine.
Molecular consequence: missense variant. On other transcripts: non-coding transcript variant (4).
Genome position (GRCh38, 1-based): chr9:135,504,056, C>T. VCF-style: chr9-135504056-C-T. GRCh37 (hg19) VCF-style: chr9-138395902-C-T.
Other names: c.814C>T, p.Arg272Cys (NM_001371401.1); c.814C>T (NM_016034.3); short protein forms R272C.
Identifiers: ClinVar variation 1988106 (VCV001988106.6), dbSNP rs755760452, ClinGen allele CA5324035.

ClinVar aggregate classification (germline): Uncertain significance. Review status: criteria provided, multiple submitters, no conflicts (2 of 4 stars). 2 submissions from 2 submitters: Uncertain significance (2). Last evaluated 2025-05-20.

Allele frequency attached by ClinVar (database versions not stated): ExAC 0.00001; gnomAD exomes 0.00001.

Submissions (2):

Ambry Genetics
Classification: Uncertain significance. Last evaluated: 2025-05-20. Review status: criteria provided, single submitter. Criteria: Ambry Variant Classification Scheme 2023. Collection method: clinical testing. Allele origin: germline.

Labcorp Genetics (formerly Invitae), Labcorp
Classification: Uncertain significance. Last evaluated: 2022-11-22. Review status: criteria provided, single submitter. Criteria: Invitae Variant Classification Sherloc (09022015). Collection method: clinical testing. Allele origin: germline.
Comment: In summary, the available evidence is currently insufficient to determine the role of this variant in disease. Therefore, it has been classified as a Variant of Uncertain Significance. Algorithms developed to predict the effect of missense changes on protein structure and function are either unavailable or do not agree on the potential impact of this missense change (SIFT: "Deleterious"; PolyPhen-2: "Possibly Damaging"; Align-GVGD: "Class C0"). This variant has not been reported in the literature in individuals affected with MRPS2-related conditions. This variant is present in population databases (rs755760452, gnomAD no frequency). This sequence change replaces arginine, which is basic and polar, with cysteine, which is neutral and slightly polar, at codon 272 of the MRPS2 protein (p.Arg272Cys).